The following is an entry in ClinVar:

ClinVar aggregate classification (germline): Uncertain significance (1 of 4 stars; one submission).

Conditions:
Gorlin syndrome. Also called: Basal cell nevus syndrome; Nevoid Basal Cell Carcinoma Syndrome. Identifiers: Orphanet 377, MedGen C0004779, MONDO:0007187.

Submission:

Labcorp Genetics (formerly Invitae), Labcorp
Classification: Uncertain significance for Gorlin syndrome. Last evaluated: 2021-03-07. Review status: criteria provided, single submitter. Criteria: Invitae Variant Classification Sherloc (09022015). Collection method: clinical testing. Allele origin: germline.
Comment: In summary, the available evidence is currently insufficient to determine the role of this variant in disease. Therefore, it has been classified as a Variant of Uncertain Significance. Advanced modeling of protein sequence and biophysical properties (such as structural, functional, and spatial information, amino acid conservation, physicochemical variation, residue mobility, and thermodynamic stability) performed at Invitae indicates that this missense variant is not expected to disrupt PTCH1 protein function. This variant has not been reported in the literature in individuals with PTCH1-related conditions. This variant is not present in population databases (ExAC no frequency). This sequence change replaces glutamic acid with lysine at codon 221 of the PTCH1 protein (p.Glu221Lys). The glutamic acid residue is moderately conserved and there is a small physicochemical difference between glutamic acid and lysine.

NM_000264.5(PTCH1):c.661G>A (p.Glu221Lys)

Gene: PTCH1 (patched 1; minus strand). Cytogenetic location: 9q22.32.
Variant type: single nucleotide variant.
Coding change: c.661G>A on transcript NM_000264.5 (MANE Select); coding-DNA position 661, G replaced by A.
Protein change: p.Glu221Lys; replaces glutamic acid 221 with lysine.
Molecular consequence: missense variant. On other transcripts: non-coding transcript variant (1).
Genome position (GRCh38, 1-based): chr9:95,482,034, C>T on the plus strand (G>A on the coding strand, the complement: PTCH1 is on the minus strand). VCF-style: chr9-95482034-C-T. GRCh37 (hg19) VCF-style: chr9-98244316-C-T.
Other names: c.463G>A, p.Glu155Lys (NM_001083602.3, NM_001354919.2); c.658G>A, p.Glu220Lys (NM_001083603.3); c.208G>A, p.Glu70Lys (NM_001083604.3, NM_001083605.3, NM_001083606.3 and 1 more transcripts); c.661G>A, p.Glu221Lys (NM_001354918.2); short protein forms E221K, E155K, E70K, E220K.
Identifiers: ClinVar variation 1514712 (VCV001514712.8), dbSNP rs1554700647, ClinGen allele CA374114981.